The following is an entry in ClinVar:

NM_003743.5(NCOA1):c.3929G>C (p.Gly1310Ala)

Gene: NCOA1 (nuclear receptor coactivator 1; plus strand). Cytogenetic location: 2p23.3.
Variant type: single nucleotide variant.
Coding change: c.3929G>C on transcript NM_003743.5 (MANE Select); coding-DNA position 3929, G replaced by C.
Protein change: p.Gly1310Ala; replaces glycine 1310 with alanine.
Molecular consequence: missense variant.
Genome position (GRCh38, 1-based): chr2:24,758,020, G>C. VCF-style: chr2-24758020-G-C. GRCh37 (hg19) VCF-style: chr2-24980889-G-C.
Other names: c.3929G>C, p.Gly1310Ala (NM_001362950.1, NM_001362952.1, NM_001362954.1 and 3 more transcripts); short protein forms G1310A.
Identifiers: ClinVar variation 3355161 (VCV003355161.2).
Genomic context (GRCh38, chr2:24,758,020, plus strand): 5'-TTTGAGTTTACAGTGTGTTCAGTCAAGCTGTCCAGAACCAGCCCACGCCTGCACAGCCAG[G>C]AGTATACAACAACATGAGCATCACCGTTTCCATGGCAGGTGGAAATACGAATGTTCAGAA-3'
Protein context (NP_003734.3, residues 1300-1320): VQNQPTPAQP[Gly1310Ala]VYNNMSITVS

ClinVar aggregate classification (germline): Uncertain significance. Review status: criteria provided, single submitter (1 of 4 stars). 2 submissions from 2 submitters: Uncertain significance (1). 1 of the submissions does not count toward it. Last evaluated 2025-02-27.

Conditions:
NCOA1-related disorder. Also called: NCOA1-related condition.

gnomAD v4.1: 28 of 1,614,002 alleles (0.0017%); highest among the groups gnomAD compares: African/African-American, 0.035%; no homozygotes.

Submissions (2):

Ambry Genetics
Classification: Uncertain significance. Last evaluated: 2025-02-27. Review status: criteria provided, single submitter. Criteria: Ambry Variant Classification Scheme 2023. Collection method: clinical testing. Allele origin: germline.

PreventionGenetics, part of Exact Sciences
Classification: Uncertain significance for NCOA1-related condition. Last evaluated: 2024-04-24. Review status: no assertion criteria provided. Collection method: clinical testing. Allele origin: germline. Not counted in ClinVar's aggregate classification.
Comment: The NCOA1 c.3929G>C variant is predicted to result in the amino acid substitution p.Gly1310Ala. To our knowledge, this variant has not been reported in the literature. This variant is reported in 0.032% of alleles in individuals of African descent in gnomAD. At this time, the clinical significance of this variant is uncertain due to the absence of conclusive functional and genetic evidence.